The following is an entry in ClinVar:

NM_001042492.3(NF1):c.970del (p.Cys324fs)

Gene: NF1 (neurofibromin 1; plus strand). Cytogenetic location: 17q11.2.
Variant type: Deletion.
Coding change: c.970del on transcript NM_001042492.3 (MANE Select); coding-DNA position 970, one base deleted (T; older notation c.970delT).
Protein change: p.Cys324fs; shifts the reading frame from cysteine 324.
Molecular consequence: frameshift variant.
Genome position (GRCh38, 1-based): chr17:31,200,503, T deleted. VCF-style (leftmost placement, unchanged base first): chr17-31200502-CT-C. GRCh37 (hg19) VCF-style: chr17-29527520-CT-C.
Other names: c.970delT, p.Cys324Valfs (NM_000267.4); c.970del, p.Cys324fs (NM_001128147.3); short protein forms C324fs.
Identifiers: ClinVar variation 3663697 (VCV003663697.2).

ClinVar aggregate classification (germline): Pathogenic (1 of 4 stars; one submission).

Conditions:
Neurofibromatosis, type 1 (NF1). Also called: Peripheral type neurofibromatosis; VON RECKLINGHAUSEN DISEASE; NEUROFIBROMATOSIS, TYPE I, SOMATIC; Neurofibromatosis, type I. Identifiers: Orphanet 636, MedGen C0027831, MONDO:0018975, OMIM 162200. Disease mechanism: loss of function.

Submission:

Labcorp Genetics (formerly Invitae), Labcorp
Classification: Pathogenic for Neurofibromatosis, type 1. Last evaluated: 2024-08-28. Review status: criteria provided, single submitter. Criteria: Invitae Variant Classification Sherloc (09022015). Collection method: clinical testing. Allele origin: germline.
Comment: This sequence change creates a premature translational stop signal (p.Cys324Valfs*52) in the NF1 gene. It is expected to result in an absent or disrupted protein product. Loss-of-function variants in NF1 are known to be pathogenic (PMID: 10712197, 23913538). This variant is not present in population databases (gnomAD no frequency). This variant has not been reported in the literature in individuals affected with NF1-related conditions. Algorithms developed to predict the effect of sequence changes on RNA splicing suggest that this variant may disrupt the consensus splice site. For these reasons, this variant has been classified as Pathogenic.

Literature cited by the submitters: PubMed 10712197; PubMed 23913538.